The following is an entry in ClinVar:

NM_000080.4(CHRNE):c.1252_1267dup (p.Cys423fs)

Gene: CHRNE (cholinergic receptor nicotinic epsilon subunit; minus strand). Cytogenetic location: 17p13.2.
Variant type: Duplication.
Coding change: c.1252_1267dup on transcript NM_000080.4 (MANE Select); coding-DNA positions 1252 to 1267, 16 bases duplicated (CCCGAGGTCCGCTGCT).
Protein change: p.Cys423fs; shifts the reading frame from cysteine 423.
Molecular consequence: frameshift variant.
Genome position (GRCh38, 1-based): chr17:4,899,060-4,899,075, AGCAGCGGACCTCGGG duplicated on the plus strand (CCCGAGGTCCGCTGCT on the coding strand, the reverse complement: CHRNE is on the minus strand). VCF-style (leftmost placement, unchanged base first): chr17-4899059-C-CAGCAGCGGACCTCGGG. GRCh37 (hg19) VCF-style: chr17-4802354-C-CAGCAGCGGACCTCGGG.
Other names: c.1252_1267dupCCCGAGGTCCGCTGCT (NM_000080.4); short protein forms C423fs.
Identifiers: ClinVar variation 694644 (VCV000694644.56), dbSNP rs1597613479, ClinGen allele CA915949469.
Genomic context (GRCh38, chr17:4,899,059, plus strand): 5'-ACCTCGCCGGTGGCCTCCTGATCTCTCGTGCTCTCGGCCACGAAGTTCACGGCATCCACA[C>CAGCAGCGGACCTCGGG]AGCAGCGGACCTCGGGGGCGGCGGCGCCCAGGCTCTGGCAGAAGGCAGCTGGCGGGGAAA-3'

ClinVar aggregate classification (germline): Pathogenic/Likely pathogenic. Review status: criteria provided, multiple submitters, no conflicts (2 of 4 stars). 5 submissions from 5 submitters: Pathogenic (3); Likely pathogenic (1). 1 of the submissions does not count toward it. Last evaluated 2024-01-28.

Conditions:
Congenital myasthenic syndrome 4C (CMS4C). Also called: Myasthenic syndrome, congenital, associated with acetylcholine receptor deficiency. Identifiers: Orphanet 590, MedGen C1837091, MONDO:0012157, OMIM 608931.
Congenital myasthenic syndrome 4A. Also called: Myasthenic syndrome, congenital, 4a, slow-channel; MYASTHENIC SYNDROME, CONGENITAL, 4A, SLOW-CHANNEL, AUTOSOMAL RECESSIVE; CONGENITAL MYASTHENIC SYNDROME TYPE Ia1. Identifiers: Orphanet 590, MedGen C4225413, MONDO:0011600, OMIM 605809.
Congenital myasthenic syndrome 4B. Also called: Myasthenic syndrome, congenital, 4b, fast-channel. Identifiers: Orphanet 590, MedGen C4225369, MONDO:0014586, OMIM 616324.

Allele frequency attached by ClinVar (database versions not stated): gnomAD exomes below 0.00001.

Submissions (5):

Kariminejad - Najmabadi Pathology & Genetics Center
Classification: Pathogenic for Congenital myasthenic syndrome 4B; Congenital myasthenic syndrome 4A. Last evaluated: 2024-01-28. Review status: criteria provided, single submitter. Criteria: ACMG Guidelines, 2015. Collection method: clinical testing. Allele origin: germline. Inheritance: Autosomal recessive inheritance. Affected: yes.
Comment: PVS1,PM2,PP5

CeGaT Center for Human Genetics Tuebingen
Classification: Likely pathogenic. Last evaluated: 2023-12-01. Review status: criteria provided, single submitter. Criteria: CeGaT Center For Human Genetics Tuebingen Variant Classification Criteria Version 2. Collection method: clinical testing. Allele origin: germline. Affected: yes. Observed: 1 variant allele.
Comment: CHRNE: PVS1:Strong, PM2, PM3:Supporting

Baylor Genetics
Classification: Pathogenic for Congenital myasthenic syndrome 4A. Last evaluated: 2023-11-14. Review status: criteria provided, single submitter. Criteria: ACMG Guidelines, 2015. Collection method: clinical testing. Allele origin: unknown.

Labcorp Genetics (formerly Invitae), Labcorp
Classification: Pathogenic for Congenital myasthenic syndrome 4A. Last evaluated: 2022-07-14. Review status: criteria provided, single submitter. Criteria: Invitae Variant Classification Sherloc (09022015). Collection method: clinical testing. Allele origin: germline.
Comment: ClinVar contains an entry for this variant (Variation ID: 694644). For these reasons, this variant has been classified as Pathogenic. This variant disrupts a region of the CHRNE protein in which other variant(s) (p.Asn452Glufs*4) have been determined to be pathogenic (PMID: 8957026, 15951177, 19064877, 21175599, 28024842, 29054425). This suggests that this is a clinically significant region of the protein, and that variants that disrupt it are likely to be disease-causing. This variant is also known as c.1192_1207dup (p.Cys403SerfsX38). This premature translational stop signal has been observed in individual(s) with clinical features of autosomal recessive congenital myasthenic syndrome (PMID: 22678886). This variant is not present in population databases (gnomAD no frequency). This sequence change creates a premature translational stop signal (p.Cys423Serfs*38) in the CHRNE gene. While this is not anticipated to result in nonsense mediated decay, it is expected to disrupt the last 71 amino acid(s) of the CHRNE protein.

Neuromuscular Department, Shariati Hospital, Tehran University of Medical Sciences
Classification: Pathogenic for Congenital myasthenic syndrome 4C. Last evaluated: 2016-12-13. Review status: no assertion criteria provided. Collection method: clinical testing. Allele origin: inherited. Inheritance: Autosomal recessive inheritance. Affected: yes. Not counted in ClinVar's aggregate classification.

Literature cited by the submitters: PubMed 8957026 (cited by Labcorp Genetics (formerly Invitae), Labcorp); PubMed 15951177 (cited by Labcorp Genetics (formerly Invitae), Labcorp); PubMed 19064877 (cited by Labcorp Genetics (formerly Invitae), Labcorp); PubMed 21175599 (cited by Labcorp Genetics (formerly Invitae), Labcorp); PubMed 28024842 (cited by Labcorp Genetics (formerly Invitae), Labcorp); PubMed 29054425 (cited by Labcorp Genetics (formerly Invitae), Labcorp); PubMed 22678886 (cited by Labcorp Genetics (formerly Invitae), Labcorp).